The following is an entry in ClinVar:

NM_000628.5(IL10RB):c.50-2A>T

Genes: IFNAR2-IL10RB (IFNAR2-IL10RB readthrough; plus strand), IL10RB (interleukin 10 receptor subunit beta; plus strand). Cytogenetic location: 21q22.11.
Variant type: single nucleotide variant.
Coding change: c.50-2A>T on transcript NM_000628.5 (MANE Select); the canonical splice acceptor site of the intron before coding-DNA position 50, A replaced by T.
Molecular consequence: splice acceptor variant.
Genome position (GRCh38, 1-based): chr21:33,268,392, A>T. VCF-style: chr21-33268392-A-T. GRCh37 (hg19) VCF-style: chr21-34640697-A-T.
Other names: c.710-2A>T (NM_001414505.1); c.50-2A>T (NM_001405849.1, NM_001405850.1, NM_001406840.1).
Identifiers: ClinVar variation 3776337 (VCV003776337.1).

ClinVar aggregate classification (germline): Pathogenic (1 of 4 stars; one submission).

gnomAD v4.1: 2 of 1,614,024 alleles (0.00012%); highest among the groups gnomAD compares: African/African-American, 0.0027%; 1 homozygote.

Submission:

GeneDx
Classification: Pathogenic. Last evaluated: 2024-09-30. Review status: criteria provided, single submitter. Criteria: GeneDx Variant Classification Process June 2021. Collection method: clinical testing. Allele origin: germline. Affected: yes.
Comment: Canonical splice site variant predicted to result in a null allele in a gene for which loss of function is a known mechanism of disease; Not observed at significant frequency in large population cohorts (gnomAD); This variant is associated with the following publications: (PMID: 31096038, 27693323, 35366317)